The following is an entry in ClinVar:

NM_177531.6(PKHD1L1):c.2504C>T (p.Ser835Phe)

Gene: PKHD1L1 (PKHD1 like 1; plus strand). Cytogenetic location: 8q23.1.
Variant type: single nucleotide variant.
Coding change: c.2504C>T on transcript NM_177531.6 (MANE Select); coding-DNA position 2504, C replaced by T.
Protein change: p.Ser835Phe; replaces serine 835 with phenylalanine.
Molecular consequence: missense variant.
Genome position (GRCh38, 1-based): chr8:109,419,240, C>T. VCF-style: chr8-109419240-C-T. GRCh37 (hg19) VCF-style: chr8-110431469-C-T.
Other names: short protein forms S835F.
Identifiers: ClinVar variation 4137904 (VCV004137904.2).

ClinVar aggregate classification (germline): Uncertain significance. Review status: criteria provided, multiple submitters, no conflicts (2 of 4 stars). 2 submissions from 2 submitters: Uncertain significance (2). Last evaluated 2025-06-22.

Conditions:
PKHD1L1-related disorder. Also called: PKHD1L1-related condition.

gnomAD v4.1: 48 of 1,605,910 alleles (0.003%); highest among the groups gnomAD compares: Non-Finnish European, 0.0025%; no homozygotes.

Submissions (2):

Ambry Genetics
Classification: Uncertain significance. Last evaluated: 2025-06-22. Review status: criteria provided, single submitter. Criteria: Ambry Variant Classification Scheme 2023. Collection method: clinical testing. Allele origin: germline.

PreventionGenetics, part of Exact Sciences
Classification: Uncertain significance for PKHD1L1-related condition. Last evaluated: 2024-12-03. Review status: criteria provided, single submitter. Criteria: ACMG Guidelines, 2015. Collection method: clinical testing. Allele origin: germline.
Comment: The PKHD1L1 c.2504C>T variant is predicted to result in the amino acid substitution p.Ser835Phe. To our knowledge, this variant has not been reported in the literature. This variant is reported in 0.0019% of alleles in individuals of European (Non-Finnish) descent in gnomAD. At this time, the clinical significance of this variant is uncertain due to the absence of conclusive functional and genetic evidence.